The following is an entry in ClinVar:

ClinVar aggregate classification (germline): Benign. Review status: criteria provided, multiple submitters, no conflicts (2 of 4 stars). 2 submissions from 2 submitters: Benign (2). Last evaluated 2018-01-13.

Conditions:
Dilated cardiomyopathy 1DD (CMD1DD). Identifiers: Orphanet 154, MedGen C2750995, MONDO:0013168, OMIM 613172.

Allele frequency attached by ClinVar (database versions not stated): 1000 Genomes Project 30x 0.09713; 1000 Genomes Project 0.09744; gnomAD exomes 0.11111; TOPMed 0.16330; gnomAD 0.17620 and 0.17904.
gnomAD v4.1: 26,826 of 152,140 alleles (18%); highest among the groups gnomAD compares: Non-Finnish European, 26%; 3,077 homozygotes.

Submissions (2):

Illumina Laboratory Services, Illumina
Classification: Benign for Dilated cardiomyopathy 1DD. Last evaluated: 2018-01-13. Review status: criteria provided, single submitter. Criteria: ICSL Variant Classification Criteria 13 December 2019. Collection method: clinical testing. Allele origin: germline.
Comment: This variant was observed in the ICSL laboratory as part of a predisposition screen in an ostensibly healthy population. It had not been previously curated by ICSL or reported in the Human Gene Mutation Database (HGMD: prior to June 1st, 2018), and was therefore a candidate for classification through an automated scoring system. Utilizing variant allele frequency, disease prevalence and penetrance estimates, and inheritance mode, an automated score was calculated to assess if this variant is too frequent to cause the disease. Based on the score and internal cut-off values, a variant classified as benign is not then subjected to further curation. The score for this variant resulted in a classification of benign for this disease.

Breakthrough Genomics
Classification: Benign. Review status: criteria provided, single submitter. Criteria: ACMG Guidelines, 2015. Collection method: not provided. Allele origin: germline. Inheritance: Autosomal dominant inheritance. Affected: yes.

NM_001134363.3(RBM20):c.*546C>T

Gene: RBM20 (RNA binding motif protein 20; plus strand). Cytogenetic location: 10q25.2.
Variant type: single nucleotide variant.
Coding change: c.*546C>T on transcript NM_001134363.3 (MANE Select); 546 bases downstream of the stop codon, C replaced by T.
Molecular consequence: 3 prime UTR variant.
Genome position (GRCh38, 1-based): chr10:110,836,524, C>T. VCF-style: chr10-110836524-C-T. GRCh37 (hg19) VCF-style: chr10-112596282-C-T.
Other names: c.*546C>T (LRG_382t1).
Identifiers: ClinVar variation 298816 (VCV000298816.6), dbSNP rs72836956, ClinGen allele CA10630994.